The following is an entry in ClinVar:

ClinVar aggregate classification (germline): Likely benign. Review status: criteria provided, multiple submitters, no conflicts (2 of 4 stars). 3 submissions from 3 submitters: Likely benign (2). 1 of the submissions does not count toward it. Last evaluated 2025-10-21.

Conditions:
VPS13D-related disorder. Also called: VPS13D-related condition.

Allele frequency attached by ClinVar (database versions not stated): gnomAD 0.00025; ESP Exome Variant Server 0.00031; gnomAD exomes 0.00033; TOPMed 0.00035; ExAC 0.00044.
gnomAD v4.1: 522 of 1,614,090 alleles (0.032%); highest among the groups gnomAD compares: Admixed American, 0.15%; 2 homozygotes.

Submissions (3):

Labcorp Genetics (formerly Invitae), Labcorp
Classification: Likely benign. Last evaluated: 2025-10-21. Review status: criteria provided, single submitter. Criteria: Invitae Variant Classification Sherloc (09022015). Collection method: clinical testing. Allele origin: germline.

Mayo Clinic Laboratories, Mayo Clinic
Classification: Likely benign. Last evaluated: 2025-01-28. Review status: criteria provided, single submitter. Criteria: ACMG Guidelines, 2015. Collection method: clinical testing. Allele origin: germline. Observed: 2 variant alleles.
Comment: BS1, BP4

PreventionGenetics, part of Exact Sciences
Classification: Likely benign for VPS13D-related condition. Last evaluated: 2024-08-16. Review status: no assertion criteria provided. Collection method: clinical testing. Allele origin: germline. Not counted in ClinVar's aggregate classification.
Comment: This variant is classified as likely benign based on ACMG/AMP sequence variant interpretation guidelines (Richards et al. 2015 PMID: 25741868, with internal and published modifications).

NM_015378.4(VPS13D):c.10418A>G (p.Asn3473Ser)

Gene: VPS13D (vacuolar protein sorting 13 homolog D; plus strand). Cytogenetic location: 1p36.22.
Variant type: single nucleotide variant.
Coding change: c.10418A>G on transcript NM_015378.4 (MANE Select); coding-DNA position 10418, A replaced by G.
Protein change: p.Asn3473Ser; replaces asparagine 3473 with serine.
Molecular consequence: missense variant.
Genome position (GRCh38, 1-based): chr1:12,363,217, A>G. VCF-style: chr1-12363217-A-G. GRCh37 (hg19) VCF-style: chr1-12423273-A-G.
Other names: p.Asn3473Ser; c.10343A>G, p.Asn3448Ser (NM_018156.4); c.10418A>G (NM_015378.3); short protein forms N3473S, N3448S.
Identifiers: ClinVar variation 2051489 (VCV002051489.6), dbSNP rs202189789, ClinGen allele CA603684.